The following is an entry in ClinVar:

ClinVar aggregate classification (germline): Conflicting classifications of pathogenicity. Review status: criteria provided, conflicting classifications (1 of 4 stars). 5 submissions from 5 submitters: Uncertain significance (4); Benign (1). Last evaluated 2026-04-28.

Conditions:
Inborn genetic diseases. Identifiers: MedGen C0950123, MeSH D030342.
COL2A1-related disorder. Also called: COL2A1-related condition; COL2A1-related disorders.

Allele frequency attached by ClinVar (database versions not stated): gnomAD exomes below 0.00001; TOPMed 0.00002; gnomAD 0.00003.

Submissions (5):

Ambry Genetics
Classification: Uncertain significance for Inborn genetic diseases. Last evaluated: 2026-04-28. Review status: criteria provided, single submitter. Criteria: Ambry Variant Classification Scheme 2023. Collection method: clinical testing. Allele origin: germline.

PreventionGenetics, part of Exact Sciences
Classification: Uncertain significance for COL2A1-related condition. Last evaluated: 2025-11-03. Review status: criteria provided, single submitter. Criteria: ACMG Guidelines, 2015. Collection method: clinical testing. Allele origin: germline.
Comment: The COL2A1 c.2143C>T variant is predicted to result in the amino acid substitution p.Leu715Phe. To our knowledge, this variant has not been reported in the literature. This variant is reported in 0.0040% of alleles in individuals of African descent in gnomAD. At this time, the clinical significance of this variant is uncertain due to the absence of conclusive functional and genetic evidence.

Labcorp Genetics (formerly Invitae), Labcorp
Classification: Benign. Last evaluated: 2025-10-19. Review status: criteria provided, single submitter. Criteria: Invitae Variant Classification Sherloc (09022015). Collection method: clinical testing. Allele origin: germline.

GeneDx
Classification: Uncertain significance. Last evaluated: 2022-04-06. Review status: criteria provided, single submitter. Criteria: GeneDx Variant Classification Process June 2021. Collection method: clinical testing. Allele origin: germline. Affected: yes.
Comment: In silico analysis supports that this missense variant does not alter protein structure/function; Reported in ClinVar as a variant of uncertain significance (ClinVar Variant ID# 502044; ClinVar); Occurs in the triple helical domain at the X position in the canonical Gly-X-Y repeat; although this variant may have an effect on normal protein folding and function, missense substitution at the X position is not a common mechanism of disease (HGMD); Has not been previously published as pathogenic or benign to our knowledge

Eurofins Ntd Llc (ga)
Classification: Uncertain significance. Last evaluated: 2017-06-05. Review status: criteria provided, single submitter. Criteria: EGL Classification Definitions 2015. Collection method: clinical testing. Allele origin: germline. Observed: 2 variant alleles, 2 heterozygotes.

NM_001844.5(COL2A1):c.2143C>T (p.Leu715Phe)

Gene: COL2A1 (collagen type II alpha 1 chain; minus strand). Cytogenetic location: 12q13.11.
Variant type: single nucleotide variant.
Coding change: c.2143C>T on transcript NM_001844.5 (MANE Select); coding-DNA position 2143, C replaced by T.
Protein change: p.Leu715Phe; replaces leucine 715 with phenylalanine.
Molecular consequence: missense variant.
Genome position (GRCh38, 1-based): chr12:47,982,898, G>A on the plus strand (C>T on the coding strand, the complement: COL2A1 is on the minus strand). VCF-style: chr12-47982898-G-A. GRCh37 (hg19) VCF-style: chr12-48376681-G-A.
Other names: c.1936C>T, p.Leu646Phe (NM_033150.3); short protein forms L715F, L646F.
Identifiers: ClinVar variation 502044 (VCV000502044.19), dbSNP rs1482498887, ClinGen allele CA384547026.
Genomic context (GRCh38, chr12:47,982,898, plus strand): 5'-CCTCACTTACTTTGGGACCATCAGTGCCAGGAGTGCCGGGGAGGCCACGGGGACCCTGGA[G>A]GCCCTGGGCACCGGGAGAGCCACGTTCACCTGGGAAACCTCGTTCACCCTGCGGCAGAGA-3'
Protein context (NP_001835.3, residues 705-725): GERGSPGAQG[Leu715Phe]QGPRGLPGTP